The following is an entry in ClinVar:

ClinVar aggregate classification (germline): Uncertain significance (1 of 4 stars; one submission).

Submission:

Ambry Genetics
Classification: Uncertain significance. Last evaluated: 2023-10-12. Review status: criteria provided, single submitter. Criteria: Ambry Variant Classification Scheme 2023. Collection method: clinical testing. Allele origin: germline.
Comment: The p.S1441N variant (also known as c.4322G>A), located in coding exon 39 of the KIF1B gene, results from a G to A substitution at nucleotide position 4322. The serine at codon 1441 is replaced by asparagine, an amino acid with highly similar properties. This amino acid position is highly conserved in available vertebrate species. In addition, the in silico prediction for this alteration is inconclusive. Since supporting evidence is limited at this time, the clinical significance of this alteration remains unclear.

NM_001365951.3(KIF1B):c.4460G>A (p.Ser1487Asn)

Gene: KIF1B (kinesin family member 1B; plus strand). Cytogenetic location: 1p36.22.
Variant type: single nucleotide variant.
Coding change: c.4460G>A on transcript NM_001365951.3 (MANE Select); coding-DNA position 4460, G replaced by A.
Protein change: p.Ser1487Asn; replaces serine 1487 with asparagine.
Molecular consequence: missense variant.
Genome position (GRCh38, 1-based): chr1:10,365,193, G>A. VCF-style: chr1-10365193-G-A. GRCh37 (hg19) VCF-style: chr1-10425251-G-A.
Other names: c.4460G>A, p.Ser1487Asn (NM_001365952.1); c.4322G>A, p.Ser1441Asn (NM_015074.3); short protein forms S1441N, S1487N.
Identifiers: ClinVar variation 1739711 (VCV001739711.2), dbSNP rs1382873862, ClinGen allele CA338320858.